The following is an entry in ClinVar:

ClinVar aggregate classification (germline): Uncertain significance (1 of 4 stars; one submission).

Submission:

Labcorp Genetics (formerly Invitae), Labcorp
Classification: Uncertain significance. Last evaluated: 2023-03-20. Review status: criteria provided, single submitter. Criteria: Invitae Variant Classification Sherloc (09022015). Collection method: clinical testing. Allele origin: germline.
Comment: In summary, the available evidence is currently insufficient to determine the role of this variant in disease. Therefore, it has been classified as a Variant of Uncertain Significance. Advanced modeling of protein sequence and biophysical properties (such as structural, functional, and spatial information, amino acid conservation, physicochemical variation, residue mobility, and thermodynamic stability) performed at Invitae indicates that this missense variant is not expected to disrupt DNAJB11 protein function. This variant has not been reported in the literature in individuals affected with DNAJB11-related conditions. This variant is not present in population databases (gnomAD no frequency). This sequence change replaces glutamic acid, which is acidic and polar, with aspartic acid, which is acidic and polar, at codon 235 of the DNAJB11 protein (p.Glu235Asp).

NM_016306.6(DNAJB11):c.705G>T (p.Glu235Asp)

Gene: DNAJB11 (DnaJ heat shock protein family (Hsp40) member B11; plus strand). Cytogenetic location: 3q27.3.
Variant type: single nucleotide variant.
Coding change: c.705G>T on transcript NM_016306.6 (MANE Select); coding-DNA position 705, G replaced by T.
Protein change: p.Glu235Asp; replaces glutamic acid 235 with aspartic acid.
Molecular consequence: missense variant. On other transcripts: non-coding transcript variant (6).
Genome position (GRCh38, 1-based): chr3:186,582,738, G>T. VCF-style: chr3-186582738-G-T. GRCh37 (hg19) VCF-style: chr3-186300527-G-T.
Other names: c.429G>T, p.Glu143Asp (NM_001378451.1); short protein forms E143D, E235D.
Identifiers: ClinVar variation 2873944 (VCV002873944.3), dbSNP rs1467165282, ClinGen allele CA355715394.